The following is an entry in ClinVar:

NM_006231.4(POLE):c.6330+15G>A

Gene: POLE (DNA polymerase epsilon, catalytic subunit; minus strand). Cytogenetic location: 12q24.33.
Variant type: single nucleotide variant.
Coding change: c.6330+15G>A on transcript NM_006231.4 (MANE Select); 15 bases into the intron after coding-DNA position 6330, G replaced by A.
Molecular consequence: intron variant.
Genome position (GRCh38, 1-based): chr12:132,632,300, C>T on the plus strand (G>A on the coding strand, the complement: POLE is on the minus strand). VCF-style: chr12-132632300-C-T. GRCh37 (hg19) VCF-style: chr12-133208886-C-T.
Identifiers: ClinVar variation 380218 (VCV000380218.39), dbSNP rs5745023, ClinGen allele CA6892219.

ClinVar aggregate classification (germline): Benign. Review status: criteria provided, multiple submitters, no conflicts (2 of 4 stars). 14 submissions from 13 submitters: Benign (12). 2 of the submissions do not count toward it. Last evaluated 2026-02-04.

Conditions:
Intrauterine growth retardation, metaphyseal dysplasia, adrenal hypoplasia congenita, genital anomalies, and immunodeficiency. Also called: IMAGEI SYNDROME. Identifiers: MedGen C5193036, MONDO:0032684, OMIM 618336.
Facial dysmorphism-immunodeficiency-livedo-short stature syndrome. Also called: Facial dysmorphism, immunodeficiency, livedo, and short stature; FILS syndrome. Identifiers: Orphanet 352712, MedGen C3554576, MONDO:0014058, OMIM 615139.
POLE-related polyposis and colorectal cancer syndrome. Identifiers: MedGen CN324030, MONDO:0100287.
Colorectal cancer, susceptibility to, 12 (CRCS12). Also called: COLORECTAL CANCER, SUSCEPTIBILITY TO, ON CHROMOSOME 12q24. Identifiers: Orphanet 220460, MedGen C3554460, MONDO:0014038, OMIM 615083.

Allele frequency attached by ClinVar (database versions not stated): gnomAD exomes 0.45138 and 0.49360; ESP Exome Variant Server 0.48032; ExAC 0.49405; gnomAD 0.49667 and 0.50058; TOPMed 0.51047; 1000 Genomes Project 0.56510; 1000 Genomes Project 30x 0.56886.
gnomAD v4.1: 730,806 of 1,601,652 alleles (46%); highest among the groups gnomAD compares: East Asian, 70%; 170,711 homozygotes.

Submissions (14):

Labcorp Genetics (formerly Invitae), Labcorp
Classification: Benign. Last evaluated: 2026-02-04. Review status: criteria provided, single submitter. Criteria: Invitae Variant Classification Sherloc (09022015). Collection method: clinical testing. Allele origin: germline.

ARUP Laboratories, Molecular Genetics and Genomics, ARUP Laboratories
Classification: Benign. Last evaluated: 2025-07-30. Review status: criteria provided, single submitter. Criteria: ARUP Molecular Germline Variant Investigation Process 2024. Collection method: clinical testing. Allele origin: germline.

Blueprint Genetics
Classification: Benign. Last evaluated: 2024-11-27. Review status: criteria provided, single submitter. Criteria: ACMG Guidelines, 2015. Collection method: clinical testing. Allele origin: germline.

KCCC/NGS Laboratory, Kuwait Cancer Control Center
Classification: Benign for Colorectal cancer, susceptibility to, 12. Last evaluated: 2023-07-07. Review status: criteria provided, single submitter. Criteria: ACMG Guidelines, 2015. Collection method: clinical testing. Allele origin: germline. Affected: yes.

Genome-Nilou Lab
Classification: Benign for Facial dysmorphism-immunodeficiency-livedo-short stature syndrome. Last evaluated: 2021-10-25. Review status: criteria provided, single submitter. Criteria: ACMG Guidelines, 2015. Collection method: clinical testing. Allele origin: germline. Affected: no.

Genome-Nilou Lab
Classification: Benign for Intrauterine growth retardation, metaphyseal dysplasia, adrenal hypoplasia congenita, genital anomalies, and immunodeficiency. Last evaluated: 2021-10-25. Review status: criteria provided, single submitter. Criteria: ACMG Guidelines, 2015. Collection method: clinical testing. Allele origin: germline. Affected: no.

Department of Pathology and Laboratory Medicine, Sinai Health System
Classification: Benign for POLE-related polyposis and colorectal cancer syndrome. Last evaluated: 2020-07-13. Review status: criteria provided, single submitter. Criteria: ACMG Guidelines, 2015. Collection method: clinical testing. Allele origin: germline.

PreventionGenetics, part of Exact Sciences
Classification: Benign. Last evaluated: 2016-10-03. Review status: criteria provided, single submitter. Criteria: ACMG Guidelines, 2015. Collection method: clinical testing. Allele origin: germline.

Women's Health and Genetics/Laboratory Corporation of America, LabCorp
Classification: Benign. Last evaluated: 2016-05-19. Review status: criteria provided, single submitter. Criteria: LabCorp Variant Classification Summary - May 2015. Collection method: clinical testing. Allele origin: germline.
Comment: Variant summary: c.6330+15G>A in POLE gene is an intronic change that involves a non-conserved nucleotide. 5/5 programs in Alamut predict that this variant does not affect normal splicing, however no functional studies supporting this notion were published at the time of evaluation. The variant is present in the control population dataset of ExAC at frequency of 49% (58808/119032 chrs tested), including numerous homozygous occurrences. The observed frequency greatly exceeds the maximum expected allele frequency for a pathogenic variant of 0.0014%, suggesting that it is a benign polymorphism. The variant of interest has not, to our knowledge, been reported in affected individuals or cited by reputable databases/clinical laboratories. Taking together, based on the prevalence of this variant in general population the variant was classified as Benign.

Laboratory for Molecular Medicine, Mass General Brigham Personalized Medicine
Classification: Benign. Last evaluated: 2016-03-29. Review status: criteria provided, single submitter. Criteria: LMM Criteria. Collection method: clinical testing. Allele origin: germline.
Comment: Variant identified in a genome or exome case(s) and assessed due to predicted null impact of the variant or pathogenic assertions in the literature or databases. Disclaimer: This variant has not undergone full assessment. The following are preliminary notes: Frequency

GeneDx
Classification: Benign. Last evaluated: 2015-10-30. Review status: criteria provided, single submitter. Criteria: GeneDx Variant Classification (06012015). Collection method: clinical testing. Allele origin: germline. Affected: yes.
Comment: This variant is considered likely benign or benign based on one or more of the following criteria: it is a conservative change, it occurs at a poorly conserved position in the protein, it is predicted to be benign by multiple in silico algorithms, and/or has population frequency not consistent with disease.

Breakthrough Genomics
Classification: Benign. Review status: criteria provided, single submitter. Criteria: ACMG Guidelines, 2015. Collection method: not provided. Allele origin: germline. Inheritance: Autosomal recessive inheritance. Affected: yes.

Clinical Genetics, Academic Medical Center
Classification: Benign. Review status: no assertion criteria provided. Collection method: clinical testing. Allele origin: germline. Affected: yes. Study: VKGL Data-share Consensus. Not counted in ClinVar's aggregate classification.

Joint Genome Diagnostic Labs from Nijmegen and Maastricht, Radboudumc and MUMC+
Classification: Benign. Review status: no assertion criteria provided. Collection method: clinical testing. Allele origin: germline. Affected: yes. Study: VKGL Data-share Consensus. Not counted in ClinVar's aggregate classification.